The following is an entry in ClinVar:

NM_024306.5(FA2H):c.131C>A (p.Pro44Gln)

Genes: FA2H (fatty acid 2-hydroxylase; minus strand), LOC130059394 (ATAC-STARR-seq lymphoblastoid silent region 7701; plus strand). Cytogenetic location: 16q23.1.
Variant type: single nucleotide variant.
Coding change: c.131C>A on transcript NM_024306.5 (MANE Select); coding-DNA position 131, C replaced by A.
Protein change: p.Pro44Gln; replaces proline 44 with glutamine.
Molecular consequence: missense variant.
Genome position (GRCh38, 1-based): chr16:74,774,625, G>T on the plus strand (C>A on the coding strand, the complement: FA2H is on the minus strand). VCF-style: chr16-74774625-G-T. GRCh37 (hg19) VCF-style: chr16-74808523-G-T.
Other names: short protein forms P44Q.
Identifiers: ClinVar variation 458305 (VCV000458305.10), dbSNP rs915291720, ClinGen allele CA283770000.
Genomic context (GRCh38, chr16:74,774,625, plus strand): 5'-CCGTCCAGGTCGGCGCTGATGTCCTGGCCCGCCCTGGCCCGCAGCAGCTGCTCGCCCCCC[G>T]GGTGGTGCCGCACGAAGCTGGAGAGGTCGTAGAGGCGGGCCCCGCGGCGGACCCAGCACG-3'
Protein context (NP_077282.3, residues 34-54): YDLSSFVRHH[Pro44Gln]GGEQLLRARA

ClinVar aggregate classification (germline): Pathogenic/Likely pathogenic. Review status: criteria provided, multiple submitters, no conflicts (2 of 4 stars). 3 submissions from 3 submitters: Pathogenic (2); Likely pathogenic (1). Last evaluated 2025-11-13.

Conditions:
Spastic paraplegia. Identifiers: MedGen C0037772, HP:0001258.
Neurodegeneration with brain iron accumulation (NBIA). Identifiers: Orphanet 385, MedGen C2931845, MONDO:0018307.

Allele frequency attached by ClinVar (database versions not stated): TOPMed 0.00006; 1000 Genomes Project 30x 0.00031.
gnomAD v4.1: 9 of 1,516,080 alleles (0.00059%); highest among the groups gnomAD compares: Admixed American, 0.014%; no homozygotes.

Submissions (3):

Women's Health and Genetics/Laboratory Corporation of America, LabCorp
Classification: Pathogenic for Neurodegeneration with brain iron accumulation. Last evaluated: 2025-11-13. Review status: criteria provided, single submitter. Criteria: LabCorp Variant Classification Summary - May 2015. Collection method: clinical testing. Allele origin: germline.
Comment: Variant summary: FA2H c.131C>A (p.Pro44Gln) results in a non-conservative amino acid change located in the Cytochrome b5-like heme/steroid binding domain (IPR001199) of the encoded protein sequence. Algorithms developed to predict the effect of missense changes on protein structure and function all suggest that this variant is likely to be disruptive. The variant was absent in 109458 control chromosomes. c.131C>A has been reported in the literature as a homozygous genotype and as an unmasked recessive genotype due to paternal UPD16 in at-least three individuals affected with spastic paraplegia type 35 (SPG35) (example, Soehn_2016 cited by Rattay_2019, Carrasco_2022, internal data). These data indicate that the variant is likely to be associated with disease. A different variant affecting the same codon has been classified as pathogenic by our lab (c.130C>T, p.Pro44Ser), supporting the critical relevance of codon 44 to FA2H protein function. To our knowledge, no experimental evidence demonstrating an impact on protein function has been reported. The following publications have been ascertained in the context of this evaluation (PMID: 33059505, 31135052, 27316240). ClinVar contains an entry for this variant (Variation ID: 458305). Based on the evidence outlined above, the variant was classified as pathogenic.

GeneDx
Classification: Likely pathogenic. Last evaluated: 2025-07-28. Review status: criteria provided, single submitter. Criteria: GeneDx Variant Classification Process June 2021. Collection method: clinical testing. Allele origin: germline. Affected: yes.
Comment: Not observed at significant frequency in large population cohorts (gnomAD); In silico analysis supports that this missense variant has a deleterious effect on protein structure/function; This variant is associated with the following publications: (PMID: 27316240, 30446360, 29376581, 33059505, 31135052, 38509968)

Labcorp Genetics (formerly Invitae), Labcorp
Classification: Pathogenic for Spastic paraplegia. Last evaluated: 2023-12-15. Review status: criteria provided, single submitter. Criteria: Invitae Variant Classification Sherloc (09022015). Collection method: clinical testing. Allele origin: germline.
Comment: This sequence change replaces proline, which is neutral and non-polar, with glutamine, which is neutral and polar, at codon 44 of the FA2H protein (p.Pro44Gln). This variant is not present in population databases (gnomAD no frequency). This missense change has been observed in individual(s) with autosomal recessive FA2H-related conditions and/or hereditary spastic paraplegia (PMID: 27316240, 33059505; Invitae). In at least one individual the data is consistent with being in trans (on the opposite chromosome) from a pathogenic variant. ClinVar contains an entry for this variant (Variation ID: 458305). Advanced modeling of protein sequence and biophysical properties (such as structural, functional, and spatial information, amino acid conservation, physicochemical variation, residue mobility, and thermodynamic stability) performed at Invitae indicates that this missense variant is expected to disrupt FA2H protein function with a positive predictive value of 80%. For these reasons, this variant has been classified as Pathogenic.

Literature cited by the submitters: PubMed 31135052 (cited by Women's Health and Genetics/Laboratory Corporation of America, LabCorp); PubMed 33059505 (cited by Women's Health and Genetics/Laboratory Corporation of America, LabCorp and Labcorp Genetics (formerly Invitae), Labcorp); PubMed 27316240 (cited by Women's Health and Genetics/Laboratory Corporation of America, LabCorp and Labcorp Genetics (formerly Invitae), Labcorp).